The following is an entry in ClinVar:

NM_018367.7(ACER3):c.599+6A>G

Gene: ACER3 (alkaline ceramidase 3; plus strand). Cytogenetic location: 11q13.5.
Variant type: single nucleotide variant.
Coding change: c.599+6A>G on transcript NM_018367.7 (MANE Select); 6 bases into the intron after coding-DNA position 599, A replaced by G.
Molecular consequence: intron variant.
Genome position (GRCh38, 1-based): chr11:77,015,123, A>G. VCF-style: chr11-77015123-A-G. GRCh37 (hg19) VCF-style: chr11-76726167-A-G.
Other names: c.314+6A>G (NM_001300954.2, NM_001300955.2); c.488+6A>G (NM_001300953.2).
Identifiers: ClinVar variation 2032562 (VCV002032562.4), dbSNP rs1483673233, ClinGen allele CA600328674.

ClinVar aggregate classification (germline): Uncertain significance (1 of 4 stars; one submission).

Allele frequency attached by ClinVar (database versions not stated): gnomAD exomes below 0.00001; TOPMed 0.00001.
gnomAD v4.1: 1 of 1,369,392 alleles (0.000073%); highest among the groups gnomAD compares: Non-Finnish European, 0.0001%; no homozygotes.

Submission:

Labcorp Genetics (formerly Invitae), Labcorp
Classification: Uncertain significance. Last evaluated: 2022-09-26. Review status: criteria provided, single submitter. Criteria: Invitae Variant Classification Sherloc (09022015). Collection method: clinical testing. Allele origin: germline.
Comment: This sequence change falls in intron 8 of the ACER3 gene. It does not directly change the encoded amino acid sequence of the ACER3 protein. It affects a nucleotide within the consensus splice site. This variant is present in population databases (no rsID available, gnomAD 0.0009%). This variant has not been reported in the literature in individuals affected with ACER3-related conditions. Variants that disrupt the consensus splice site are a relatively common cause of aberrant splicing (PMID: 17576681, 9536098). Algorithms developed to predict the effect of sequence changes on RNA splicing suggest that this variant may disrupt the consensus splice site. In summary, the available evidence is currently insufficient to determine the role of this variant in disease. Therefore, it has been classified as a Variant of Uncertain Significance.

Literature cited by the submitters: PubMed 17576681; PubMed 9536098.